The following is an entry in ClinVar:

ClinVar aggregate classification (germline): Uncertain significance. Review status: criteria provided, multiple submitters, no conflicts (2 of 4 stars). 2 submissions from 2 submitters: Uncertain significance (2). Last evaluated 2024-06-24.

Conditions:
Inborn genetic diseases. Identifiers: MedGen C0950123, MeSH D030342.

Submissions (2):

GeneDx
Classification: Uncertain significance. Last evaluated: 2024-06-24. Review status: criteria provided, single submitter. Criteria: GeneDx Variant Classification Process June 2021. Collection method: clinical testing. Allele origin: germline. Affected: yes.
Comment: Not observed at significant frequency in large population cohorts (gnomAD); In silico analysis supports that this missense variant has a deleterious effect on protein structure/function; Has not been previously published as pathogenic or benign to our knowledge

Ambry Genetics
Classification: Uncertain significance for Inborn genetic diseases. Last evaluated: 2022-09-26. Review status: criteria provided, single submitter. Criteria: Ambry Variant Classification Scheme 2023. Collection method: clinical testing. Allele origin: germline.

NM_001278689.2(EOGT):c.475C>T (p.Leu159Phe)

Gene: EOGT (EGF domain specific O-linked N-acetylglucosamine transferase; minus strand). Cytogenetic location: 3p14.1.
Variant type: single nucleotide variant.
Coding change: c.475C>T on transcript NM_001278689.2 (MANE Select); coding-DNA position 475, C replaced by T.
Protein change: p.Leu159Phe; replaces leucine 159 with phenylalanine.
Molecular consequence: missense variant. On other transcripts: non-coding transcript variant (1).
Genome position (GRCh38, 1-based): chr3:69,005,180, G>A on the plus strand (C>T on the coding strand, the complement: EOGT is on the minus strand). VCF-style: chr3-69005180-G-A. GRCh37 (hg19) VCF-style: chr3-69054331-G-A.
Other names: c.475C>T, p.Leu159Phe (NM_173654.3); c.475C>T (NM_173654.2); short protein forms L159F.
Identifiers: ClinVar variation 2313226 (VCV002313226.3), dbSNP rs2471613467, ClinGen allele CA353467756.